The following is an entry in ClinVar:

ClinVar aggregate classification (germline): Benign/Likely benign. Review status: criteria provided, multiple submitters, no conflicts (2 of 4 stars). 9 submissions from 9 submitters: Benign (5); Likely benign (2). 2 of the submissions do not count toward it. Last evaluated 2026-04-01.

Conditions:
Wolfram syndrome 1 (WFS1). Identifiers: Orphanet 3463, MedGen C4551693, MONDO:0009101, OMIM 222300.

Allele frequency attached by ClinVar (database versions not stated): gnomAD exomes 0.00057; ExAC 0.00071; 1000 Genomes Project 30x 0.00125; 1000 Genomes Project 0.00140; gnomAD 0.00239 and 0.00252; TOPMed 0.00249; ESP Exome Variant Server 0.00361.
gnomAD v4.1: 699 of 1,614,020 alleles (0.043%); highest among the groups gnomAD compares: African/African-American, 0.82%; 4 homozygotes.

Submissions (9):

CeGaT Center for Human Genetics Tuebingen
Classification: Likely benign. Last evaluated: 2026-04-01. Review status: criteria provided, single submitter. Criteria: CeGaT Center For Human Genetics Tuebingen Variant Classification Criteria Version 2. Collection method: clinical testing. Allele origin: germline. Affected: yes. Observed: 1 variant allele.
Comment: WFS1: BP4, BP7

Labcorp Genetics (formerly Invitae), Labcorp
Classification: Benign. Last evaluated: 2026-01-19. Review status: criteria provided, single submitter. Criteria: Invitae Variant Classification Sherloc (09022015). Collection method: clinical testing. Allele origin: germline.

Mayo Clinic Laboratories, Mayo Clinic
Classification: Benign. Last evaluated: 2025-03-18. Review status: criteria provided, single submitter. Criteria: ACMG Guidelines, 2015. Collection method: clinical testing. Allele origin: germline. Observed: 1 variant allele.
Comment: BA1

ARUP Laboratories, Molecular Genetics and Genomics, ARUP Laboratories
Classification: Benign. Last evaluated: 2025-02-05. Review status: criteria provided, single submitter. Criteria: ARUP Molecular Germline Variant Investigation Process 2024. Collection method: clinical testing. Allele origin: germline.

Blueprint Genetics
Classification: Likely benign. Last evaluated: 2024-07-04. Review status: criteria provided, single submitter. Criteria: ACMG Guidelines, 2015. Collection method: clinical testing. Allele origin: germline.

GeneDx
Classification: Benign. Last evaluated: 2014-04-17. Review status: criteria provided, single submitter. Criteria: GeneDx Variant Classification (06012015). Collection method: clinical testing. Allele origin: germline. Affected: yes.
Comment: This variant is considered likely benign or benign based on one or more of the following criteria: it is a conservative change, it occurs at a poorly conserved position in the protein, it is predicted to be benign by multiple in silico algorithms, and/or has population frequency not consistent with disease.

Clinical Genomics, Uppaluri K&H Personalized Medicine Clinic
Classification: Benign for Wolfram syndrome 1. Review status: criteria provided, single submitter. Criteria: K & H Uppaluri Personalized Medicine Clinic Variant Classification & Assertion Criteria_Updated V.1. Collection method: research. Allele origin: unknown. Inheritance: Autosomal recessive inheritance.
Comment: Potent mutations in WFS1 gene are associated with Wolfram's syndrome, an autosomal recessive condition, which cause diabetes mellitus, diabetes insipidus, deafness and optic atrophy.However no sufficient evidence is found to ascertain the role of this particular variant rs71524354 in Wolfram's syndrome yet.

Clinical Genetics DNA and cytogenetics Diagnostics Lab, Erasmus MC, Erasmus Medical Center
Classification: Benign. Review status: no assertion criteria provided. Collection method: clinical testing. Allele origin: germline. Affected: yes. Study: VKGL Data-share Consensus. Not counted in ClinVar's aggregate classification.

Laboratory of Diagnostic Genome Analysis, Leiden University Medical Center (LUMC)
Classification: Likely benign. Review status: no assertion criteria provided. Collection method: clinical testing. Allele origin: germline. Affected: yes. Study: VKGL Data-share Consensus. Not counted in ClinVar's aggregate classification.

Literature cited by the submitters: PubMed 20738327 (cited by Clinical Genomics, Uppaluri K&H Personalized Medicine Clinic); PubMed 33879153 (cited by Clinical Genomics, Uppaluri K&H Personalized Medicine Clinic); PubMed 12955714 (cited by Clinical Genomics, Uppaluri K&H Personalized Medicine Clinic); PubMed 18060660 (cited by Clinical Genomics, Uppaluri K&H Personalized Medicine Clinic); PubMed 20301750 (cited by Clinical Genomics, Uppaluri K&H Personalized Medicine Clinic); PubMed 17603484 (cited by Clinical Genomics, Uppaluri K&H Personalized Medicine Clinic).

NM_006005.3(WFS1):c.1158C>T (p.Pro386=)

Gene: WFS1 (wolframin ER transmembrane glycoprotein; plus strand). Cytogenetic location: 4p16.1.
Variant type: single nucleotide variant.
Coding change: c.1158C>T on transcript NM_006005.3 (MANE Select); coding-DNA position 1158, C replaced by T.
Protein change: p.Pro386=; no amino-acid change (proline 386 retained).
Molecular consequence: synonymous variant.
Genome position (GRCh38, 1-based): chr4:6,300,953, C>T. VCF-style: chr4-6300953-C-T. GRCh37 (hg19) VCF-style: chr4-6302680-C-T.
Other names: p.P386P:CCC>CCT; p.Pro386=; c.1158C>T, p.Pro386= (NM_001145853.1).
Identifiers: ClinVar variation 137912 (VCV000137912.20), dbSNP rs71524354, ClinGen allele CA291628.